The following is an entry in ClinVar:

NM_052867.4(NALCN):c.830C>T (p.Ala277Val)

Gene: NALCN (sodium leak channel, non-selective; minus strand). Cytogenetic location: 13q33.1.
Variant type: single nucleotide variant.
Coding change: c.830C>T on transcript NM_052867.4 (MANE Select); coding-DNA position 830, C replaced by T.
Protein change: p.Ala277Val; replaces alanine 277 with valine.
Molecular consequence: missense variant.
Genome position (GRCh38, 1-based): chr13:101,292,336, G>A on the plus strand (C>T on the coding strand, the complement: NALCN is on the minus strand). VCF-style: chr13-101292336-G-A. GRCh37 (hg19) VCF-style: chr13-101944687-G-A.
Other names: c.830C>T, p.Ala277Val (NM_001350748.2, NM_001350749.2, NM_001350750.2 and 1 more transcripts); short protein forms A277V.
Identifiers: ClinVar variation 3363953 (VCV003363953.1).

ClinVar aggregate classification (germline): Uncertain significance (1 of 4 stars; one submission).

Submission:

GeneDx
Classification: Uncertain significance. Last evaluated: 2023-11-09. Review status: criteria provided, single submitter. Criteria: GeneDx Variant Classification Process June 2021. Collection method: clinical testing. Allele origin: germline. Affected: yes.
Comment: Not observed at significant frequency in large population cohorts (gnomAD); In silico analysis supports that this missense variant has a deleterious effect on protein structure/function; Has not been previously published as pathogenic or benign to our knowledge